The following is an entry in ClinVar:

ClinVar aggregate classification (germline): Likely pathogenic (1 of 4 stars; one submission).

Submission:

GeneDx
Classification: Likely pathogenic. Last evaluated: 2024-05-17. Review status: criteria provided, single submitter. Criteria: GeneDx Variant Classification Process June 2021. Collection method: clinical testing. Allele origin: germline.
Comment: Not observed at significant frequency in large population cohorts (gnomAD); In silico analysis supports that this missense variant has a deleterious effect on protein structure/function; In addition, in silico splice predictors suggest this variant may lead to abnormal gene splicing. In the absence of RNA/functional studies, the actual effect of this sequence change is unknown; Has not been previously published as pathogenic or benign to our knowledge

NM_016312.3(WBP11):c.99C>G (p.Asn33Lys)

Gene: WBP11 (WW domain binding protein 11; minus strand). Cytogenetic location: 12p12.3.
Variant type: single nucleotide variant.
Coding change: c.99C>G on transcript NM_016312.3 (MANE Select); coding-DNA position 99, C replaced by G.
Protein change: p.Asn33Lys; replaces asparagine 33 with lysine.
Molecular consequence: missense variant.
Genome position (GRCh38, 1-based): chr12:14,799,726, G>C on the plus strand (C>G on the coding strand, the complement: WBP11 is on the minus strand). VCF-style: chr12-14799726-G-C. GRCh37 (hg19) VCF-style: chr12-14952660-G-C.
Other names: short protein forms N33K.
Identifiers: ClinVar variation 2500508 (VCV002500508.2), dbSNP rs2498075278, ClinGen allele CA384012413.